The following is an entry in ClinVar:

ClinVar aggregate classification (germline): Uncertain significance (1 of 4 stars; one submission).

Conditions:
Progressive microcephaly-seizures-cortical blindness-developmental delay syndrome. Also called: Seizures, cortical blindness, and microcephaly syndrome. Identifiers: Orphanet 477814, MedGen C5567650, MONDO:0014714, OMIM 616632.
Autosomal dominant nonsyndromic hearing loss 1. Also called: DEAFNESS, AUTOSOMAL DOMINANT 1, WITH OR WITHOUT THROMBOCYTOPENIA; KONIGSMARK SYNDROME. Identifiers: Orphanet 90635, MedGen C1852282, MONDO:0007424, OMIM 124900.

gnomAD v4.1: 4 of 1,526,688 alleles (0.00026%); highest among the groups gnomAD compares: Non-Finnish European, 0.00035%; no homozygotes.

Submission:

Labcorp Genetics (formerly Invitae), Labcorp
Classification: Uncertain significance for Progressive microcephaly-seizures-cortical blindness-developmental delay syndrome; Autosomal dominant nonsyndromic hearing loss 1. Last evaluated: 2025-05-11. Review status: criteria provided, single submitter. Criteria: Invitae Variant Classification Sherloc (09022015). Collection method: clinical testing. Allele origin: germline.
Comment: This sequence change replaces lysine, which is basic and polar, with glutamic acid, which is acidic and polar, at codon 17 of the DIAPH1 protein (p.Lys17Glu). This variant is not present in population databases (gnomAD no frequency). This variant has not been reported in the literature in individuals affected with DIAPH1-related conditions. ClinVar contains an entry for this variant (Variation ID: 3761961). Experimental studies and prediction algorithms are not available or were not evaluated, and the functional significance of this variant is currently unknown. In summary, the available evidence is currently insufficient to determine the role of this variant in disease. Therefore, it has been classified as a Variant of Uncertain Significance.

NM_005219.5(DIAPH1):c.49A>G (p.Lys17Glu)

Gene: DIAPH1 (diaphanous related formin 1; minus strand). Cytogenetic location: 5q31.3.
Variant type: single nucleotide variant.
Coding change: c.49A>G on transcript NM_005219.5 (MANE Select); coding-DNA position 49, A replaced by G.
Protein change: p.Lys17Glu; replaces lysine 17 with glutamic acid.
Molecular consequence: missense variant.
Genome position (GRCh38, 1-based): chr5:141,618,866, T>C on the plus strand (A>G on the coding strand, the complement: DIAPH1 is on the minus strand). VCF-style: chr5-141618866-T-C. GRCh37 (hg19) VCF-style: chr5-140998433-T-C.
Other names: c.49A>G, p.Lys17Glu (NM_001079812.3, NM_001314007.2); short protein forms K17E.
Identifiers: ClinVar variation 3761961 (VCV003761961.2).